The following is an entry in ClinVar:

NM_053025.4(MYLK):c.4544G>A (p.Cys1515Tyr)

Gene: MYLK (myosin light chain kinase; minus strand). Cytogenetic location: 3q21.1.
Variant type: single nucleotide variant.
Coding change: c.4544G>A on transcript NM_053025.4 (MANE Select); coding-DNA position 4544, G replaced by A.
Protein change: p.Cys1515Tyr; replaces cysteine 1515 with tyrosine.
Molecular consequence: missense variant.
Genome position (GRCh38, 1-based): chr3:123,647,299, C>T on the plus strand (G>A on the coding strand, the complement: MYLK is on the minus strand). VCF-style: chr3-123647299-C-T. GRCh37 (hg19) VCF-style: chr3-123366146-C-T.
Other names: c.4016G>A, p.Cys1339Tyr (NM_001321309.2); c.4337G>A, p.Cys1446Tyr (NM_053026.4, NM_053028.4); c.4544G>A, p.Cys1515Tyr (NM_053027.4); short protein forms C1339Y, C1446Y, C1515Y.
Identifiers: ClinVar variation 1327900 (VCV001327900.3), dbSNP rs2059054509, ClinGen allele CA354227106.

ClinVar aggregate classification (germline): Uncertain significance. Review status: criteria provided, multiple submitters, no conflicts (2 of 4 stars). 2 submissions from 2 submitters: Uncertain significance (2). Last evaluated 2021-09-22.

Conditions:
Megacystis-microcolon-intestinal hypoperistalsis syndrome 1. Identifiers: MedGen C5542316, MONDO:0100354, OMIM 249210.
Aortic aneurysm, familial thoracic 7 (AAT7). Also called: AORTIC DISSECTION, FAMILIAL, WITH OR WITHOUT AORTIC ANEURYSM. Identifiers: MedGen C3151077, MONDO:0013418, OMIM 613780.

Allele frequency attached by ClinVar (database versions not stated): TOPMed below 0.00001.
gnomAD v4.1: 1 of 1,614,226 alleles (0.000062%); highest among the groups gnomAD compares: Non-Finnish European, 0.000085%; no homozygotes.

Submissions (2):

Fulgent Genetics
Classification: Uncertain significance for Megacystis-microcolon-intestinal hypoperistalsis syndrome 1; Aortic aneurysm, familial thoracic 7. Last evaluated: 2021-09-22. Review status: criteria provided, single submitter. Criteria: ACMG Guidelines, 2015. Collection method: clinical testing. Allele origin: unknown.

GeneDx
Classification: Uncertain significance. Last evaluated: 2021-06-08. Review status: criteria provided, single submitter. Criteria: GeneDx Variant Classification Process June 2021. Collection method: clinical testing. Allele origin: germline. Affected: yes.
Comment: Has not been previously published as pathogenic or benign to our knowledge; Not observed at significant frequency in large population cohorts (Lek et al., 2016); In silico analysis supports that this missense variant has a deleterious effect on protein structure/function; This variant is associated with the following publications: (PMID: 27535533)